The following is an entry in ClinVar:

NM_000019.4(ACAT1):c.1032AGA[1] (p.Glu345del)

Gene: ACAT1 (acetyl-CoA acetyltransferase 1; plus strand). Cytogenetic location: 11q22.3.
Variant type: Microsatellite.
Coding change: c.1032AGA[1] on transcript NM_000019.4 (MANE Select); one copy of the 3-base unit AGA starting at c.1032; the reference has two copies in a row; one copy, 3 bases deleted; also written c.1035_1037del.
Protein change: p.Glu345del; deletes glutamic acid 345.
Molecular consequence: inframe deletion. On other transcripts: non-coding transcript variant (2).
Genome position (GRCh38, 1-based): chr11:108,146,231-108,146,233, AGA deleted; deleting any 3 consecutive bases within chr11:108,146,227-108,146,233 gives the same sequence; the position shown is the placement nearest the transcript's 3' end. VCF-style (leftmost placement, unchanged base first): chr11-108146226-AAAG-A. GRCh37 (hg19) VCF-style: chr11-108016953-AAAG-A.
Other names: c.1035_1037del (NM_000019.3); c.1032AGA[1], p.Glu345del (NM_001386677.1); c.717AGA[1], p.Glu240del (NM_001386678.1); c.735AGA[1], p.Glu246del (NM_001386679.1); c.762AGA[1], p.Glu255del (NM_001386681.1, NM_001386682.1, NM_001386685.1 and 6 more transcripts); short protein forms E345del, E240del, E246del, E255del.
Identifiers: ClinVar variation 2841 (VCV000002841.15), dbSNP rs387906282, ClinGen allele CA252466.

ClinVar aggregate classification (germline): Conflicting classifications of pathogenicity. Review status: criteria provided, conflicting classifications (1 of 4 stars). 5 submissions from 5 submitters: Likely pathogenic (3); Uncertain significance (1). 1 of the submissions does not count toward it. Last evaluated 2025-07-28.

Conditions:
Deficiency of acetyl-CoA acetyltransferase. Also called: MITOCHONDRIAL ACETOACETYL-CoA THIOLASE DEFICIENCY; 3-KETOTHIOLASE DEFICIENCY; 3-OXOTHIOLASE DEFICIENCY; Beta-ketothiolase deficiency. Identifiers: Orphanet 134, MedGen C1536500, MONDO:0008760, OMIM 203750. Disease mechanism: loss of function.

Submissions (5):

Myriad Genetics, Inc.
Classification: Uncertain significance for Deficiency of acetyl-CoA acetyltransferase. Last evaluated: 2025-07-28. Review status: criteria provided, single submitter. Criteria: Myriad Autosomal Dominant, Autosomal Recessive and X-Linked Classification Criteria (2023). Collection method: clinical testing. Allele origin: unknown.
Comment: NM_000019.3(ACAT1):c.1035_1037delAGA(E345del) is an in-frame deletion classified as a variant of uncertain significance in the context of beta-ketothiolase deficiency. E345del has been observed in cases with relevant disease (PMID: 9700610, 31240151). Relevant functional assessments of this variant are not available in the literature. E345del has been observed in referenced population frequency databases. In summary, there is insufficient evidence to classify NM_000019.3(ACAT1):c.1035_1037delAGA(E345del) as pathogenic or benign. Please note: this variant was assessed in the context of healthy population screening.

Fulgent Genetics
Classification: Likely pathogenic for Deficiency of acetyl-CoA acetyltransferase. Last evaluated: 2024-05-22. Review status: criteria provided, single submitter. Criteria: ACMG Guidelines, 2015. Collection method: clinical testing. Allele origin: germline.

Labcorp Genetics (formerly Invitae), Labcorp
Classification: Likely pathogenic for Deficiency of acetyl-CoA acetyltransferase. Last evaluated: 2024-01-11. Review status: criteria provided, single submitter. Criteria: Invitae Variant Classification Sherloc (09022015). Collection method: clinical testing. Allele origin: germline.
Comment: This variant, c.1035_1037del, results in the deletion of 1 amino acid(s) of the ACAT1 protein (p.Glu345del), but otherwise preserves the integrity of the reading frame. This variant is present in population databases (rs387906282, gnomAD 0.006%). This variant has been observed in individual(s) with beta-ketothiolase deficiency (PMID: 9700610, 31240151). In at least one individual the data is consistent with being in trans (on the opposite chromosome) from a pathogenic variant. This variant is also known as 1033GAAdel. ClinVar contains an entry for this variant (Variation ID: 2841). Algorithms developed to predict the effect of variants on protein structure and function are not available or were not evaluated for this variant. Experimental studies are conflicting or provide insufficient evidence to determine the effect of this variant on ACAT1 function (PMID: 31240151). In summary, the currently available evidence indicates that the variant is pathogenic, but additional data are needed to prove that conclusively. Therefore, this variant has been classified as Likely Pathogenic.

Department of Pediatrics, Gifu University
Classification: Likely pathogenic for Deficiency of acetyl-CoA acetyltransferase. Last evaluated: 2019-05-05. Review status: criteria provided, single submitter. Criteria: ACMG Guidelines, 2015. Collection method: research. Allele origin: germline. Affected: yes. Observed: 2 variant alleles.

OMIM
Classification: Pathogenic for 3-KETOTHIOLASE DEFICIENCY. Last evaluated: 1998-06-01. Review status: no assertion criteria provided. Collection method: literature only. Allele origin: germline. Not counted in ClinVar's aggregate classification.

Literature cited by the submitters: PubMed 31240151 (cited by Myriad Genetics, Inc. and Labcorp Genetics (formerly Invitae), Labcorp); PubMed 9700610 (cited by 3 submitters); PubMed 31268215 (cited by Department of Pediatrics, Gifu University).